The following is an entry in ClinVar:

ClinVar aggregate classification (germline): Uncertain significance (1 of 4 stars; one submission).

Conditions:
Autosomal dominant limb-girdle muscular dystrophy type 1G (LGMDD3). Also called: MUSCULAR DYSTROPHY, LIMB-GIRDLE, AUTOSOMAL DOMINANT 3; Limb-girdle muscular dystrophy, type 1G. Identifiers: Orphanet 55596, MedGen C1836765, MONDO:0012193, OMIM 609115.

Allele frequency attached by ClinVar (database versions not stated): gnomAD exomes below 0.00001.
gnomAD v4.1: 3 of 1,613,606 alleles (0.00019%); highest among the groups gnomAD compares: Non-Finnish European, 0.00025%; no homozygotes.

Submission:

Labcorp Genetics (formerly Invitae), Labcorp
Classification: Uncertain significance for Autosomal dominant limb-girdle muscular dystrophy type 1G. Last evaluated: 2022-07-26. Review status: criteria provided, single submitter. Criteria: Invitae Variant Classification Sherloc (09022015). Collection method: clinical testing. Allele origin: germline.
Comment: In summary, the available evidence is currently insufficient to determine the role of this variant in disease. Therefore, it has been classified as a Variant of Uncertain Significance. Algorithms developed to predict the effect of missense changes on protein structure and function are either unavailable or do not agree on the potential impact of this missense change (SIFT: "Deleterious"; PolyPhen-2: "Possibly Damaging"; Align-GVGD: "Class C0"). ClinVar contains an entry for this variant (Variation ID: 1445826). This variant has not been reported in the literature in individuals affected with HNRNPDL-related conditions. This variant is not present in population databases (gnomAD no frequency). This sequence change replaces alanine, which is neutral and non-polar, with valine, which is neutral and non-polar, at codon 102 of the HNRNPDL protein (p.Ala102Val).

NM_031372.4(HNRNPDL):c.305C>T (p.Ala102Val)

Gene: HNRNPDL (heterogeneous nuclear ribonucleoprotein D like; minus strand). Cytogenetic location: 4q21.22.
Variant type: single nucleotide variant.
Coding change: c.305C>T on transcript NM_031372.4 (MANE Select); coding-DNA position 305, C replaced by T.
Protein change: p.Ala102Val; replaces alanine 102 with valine.
Molecular consequence: missense variant. On other transcripts: non-coding transcript variant (1).
Genome position (GRCh38, 1-based): chr4:82,429,386, G>A on the plus strand (C>T on the coding strand, the complement: HNRNPDL is on the minus strand). VCF-style: chr4-82429386-G-A. GRCh37 (hg19) VCF-style: chr4-83350539-G-A.
Other names: c.305C>T, p.Ala102Val (NM_001207000.1); short protein forms A102V.
Identifiers: ClinVar variation 1445826 (VCV001445826.8), dbSNP rs2110031216, ClinGen allele CA357172627.